The following is an entry in ClinVar:

NM_000153.4(GALC):c.1162-4621T>G

Gene: GALC (galactosylceramidase; minus strand). Cytogenetic location: 14q31.3.
Variant type: single nucleotide variant.
Coding change: c.1162-4621T>G on transcript NM_000153.4 (MANE Select); 4621 bases into the intron before coding-DNA position 1162, T replaced by G.
Molecular consequence: intron variant.
Genome position (GRCh38, 1-based): chr14:87,955,369, A>C on the plus strand (T>G on the coding strand, the complement: GALC is on the minus strand). VCF-style: chr14-87955369-A-C. GRCh37 (hg19) VCF-style: chr14-88421713-A-C.
Other names: c.814-4621T>G (NM_001424075.1, NM_001424074.1); c.994-4621T>G (NM_001424072.1, NM_001424073.1, NM_001424071.1); c.529-4621T>G (NM_001424076.1, NM_001424077.1); c.1084-4621T>G (NM_001201402.2); c.1093-4621T>G (NM_001201401.2).
Identifiers: ClinVar variation 4293390 (VCV004293390.1).

ClinVar aggregate classification (germline): Uncertain significance (1 of 4 stars; one submission).

Conditions:
Galactosylceramide beta-galactosidase deficiency. Also called: GALACTOCEREBROSIDASE DEFICIENCY; GALC DEFICIENCY; GLOBOID CELL LEUKOENCEPHALOPATHY; Leukodystrophy, Globoid Cell; Krabbe Disease. Identifiers: Orphanet 487, MedGen C0023521, MONDO:0009499, OMIM 245200.

gnomAD v4.1: 2 of 152,236 alleles (0.0013%); highest among the groups gnomAD compares: East Asian, 0.039%; no homozygotes.

Submission:

3billion
Classification: Uncertain significance for Galactosylceramide beta-galactosidase deficiency. Last evaluated: 2024-08-05. Review status: criteria provided, single submitter. Criteria: ACMG Guidelines, 2015. Collection method: clinical testing. Allele origin: germline. Affected: yes.
Comment: The variant is observed at an extremely low frequency in the gnomAD v4.0.0 dataset (total allele frequency: 0.001%). Predicted Consequence/Location: Intron variant In silico tools does not predict the variant to alter splicing and produce an abnormal transcript [SpliceAI: 0 (spliceogenicity >=0.2, non-spliceogenicity <0.1)]. Therefore, this variant is classified as VUS according to the recommendation of ACMG/AMP guideline.